The following is an entry in ClinVar:

ClinVar aggregate classification (germline): Uncertain significance (1 of 4 stars; one submission).

Submission:

GeneDx
Classification: Uncertain significance. Last evaluated: 2026-01-23. Review status: criteria provided, single submitter. Criteria: GeneDx Variant Classification Process June 2021. Collection method: clinical testing. Allele origin: germline.
Comment: Not observed at significant frequency in large population cohorts (gnomAD); In silico analysis suggests that this missense variant does not alter protein structure/function; Within the C-terminal cytoplasmic and IQ domains; Has not been previously published as pathogenic or benign to our knowledge

NM_001040142.2(SCN2A):c.5719G>T (p.Val1907Leu)

Gene: SCN2A (sodium voltage-gated channel alpha subunit 2; plus strand). Cytogenetic location: 2q24.3.
Variant type: single nucleotide variant.
Coding change: c.5719G>T on transcript NM_001040142.2 (MANE Select); coding-DNA position 5719, G replaced by T.
Protein change: p.Val1907Leu; replaces valine 1907 with leucine.
Molecular consequence: missense variant.
Genome position (GRCh38, 1-based): chr2:165,389,525, G>T. VCF-style: chr2-165389525-G-T. GRCh37 (hg19) VCF-style: chr2-166246035-G-T.
Other names: c.5719G>T, p.Val1907Leu (NM_001040143.2, NM_001371246.1, NM_001371247.1 and 1 more transcripts); short protein forms V1907L.
Identifiers: ClinVar variation 4975256 (VCV004975256.1).